The following is an entry in ClinVar:

NM_006017.3(PROM1):c.499A>G (p.Ile167Val)

Gene: PROM1 (prominin 1; minus strand). Cytogenetic location: 4p15.32.
Variant type: single nucleotide variant.
Coding change: c.499A>G on transcript NM_006017.3 (MANE Select); coding-DNA position 499, A replaced by G.
Protein change: p.Ile167Val; replaces isoleucine 167 with valine.
Molecular consequence: missense variant.
Genome position (GRCh38, 1-based): chr4:16,033,314, T>C on the plus strand (A>G on the coding strand, the complement: PROM1 is on the minus strand). VCF-style: chr4-16033314-T-C. GRCh37 (hg19) VCF-style: chr4-16034937-T-C.
Other names: c.499A>G (NM_006017.2); c.472A>G, p.Ile158Val (NM_001145847.2, NM_001145848.2, NM_001145851.2 and 4 more transcripts); c.499A>G, p.Ile167Val (NM_001145849.2, NM_001145850.2); short protein forms I158V, I167V.
Identifiers: ClinVar variation 3604031 (VCV003604031.3).

ClinVar aggregate classification (germline): Conflicting classifications of pathogenicity. Review status: criteria provided, conflicting classifications (1 of 4 stars). 2 submissions from 2 submitters: Uncertain significance (1); Likely benign (1). Last evaluated 2025-06-24.

Conditions:
Inborn genetic diseases. Identifiers: MedGen C0950123, MeSH D030342.

gnomAD v4.1: 4 of 1,612,442 alleles (0.00025%); highest among the groups gnomAD compares: Admixed American, 0.0033%; no homozygotes.

Submissions (2):

Ambry Genetics
Classification: Likely benign for Inborn genetic diseases. Last evaluated: 2025-06-24. Review status: criteria provided, single submitter. Criteria: Ambry Variant Classification Scheme 2023. Collection method: clinical testing. Allele origin: germline.

Labcorp Genetics (formerly Invitae), Labcorp
Classification: Uncertain significance. Last evaluated: 2025-03-31. Review status: criteria provided, single submitter. Criteria: Invitae Variant Classification Sherloc (09022015). Collection method: clinical testing. Allele origin: germline.
Comment: This sequence change replaces isoleucine, which is neutral and non-polar, with valine, which is neutral and non-polar, at codon 167 of the PROM1 protein (p.Ile167Val). This variant is present in population databases (rs767709511, gnomAD 0.006%). This variant has not been reported in the literature in individuals affected with PROM1-related conditions. Invitae Evidence Modeling of protein sequence and biophysical properties (such as structural, functional, and spatial information, amino acid conservation, physicochemical variation, residue mobility, and thermodynamic stability) indicates that this missense variant is not expected to disrupt PROM1 protein function with a negative predictive value of 80%. In summary, the available evidence is currently insufficient to determine the role of this variant in disease. Therefore, it has been classified as a Variant of Uncertain Significance.